The following is an entry in ClinVar:

ClinVar aggregate classification (germline): Pathogenic/Likely pathogenic. Review status: criteria provided, multiple submitters, no conflicts (2 of 4 stars). 2 submissions from 2 submitters: Pathogenic (1); Likely pathogenic (1). Last evaluated 2024-03-31.

Conditions:
Autosomal recessive nonsyndromic hearing loss 59. Identifiers: Orphanet 90636, MedGen C1857744, MONDO:0012445, OMIM 610220.

Submissions (2):

Fulgent Genetics
Classification: Likely pathogenic for Autosomal recessive nonsyndromic hearing loss 59. Last evaluated: 2024-03-31. Review status: criteria provided, single submitter. Criteria: ACMG Guidelines, 2015. Collection method: clinical testing. Allele origin: germline.

Labcorp Genetics (formerly Invitae), Labcorp
Classification: Pathogenic. Last evaluated: 2023-10-30. Review status: criteria provided, single submitter. Criteria: Invitae Variant Classification Sherloc (09022015). Collection method: clinical testing. Allele origin: germline.
Comment: This sequence change creates a premature translational stop signal (p.Phe140Leufs*5) in the DFNB59 gene. It is expected to result in an absent or disrupted protein product. Loss-of-function variants in DFNB59 are known to be pathogenic (PMID: 17301963, 17718875). This variant is present in population databases (rs761546140, gnomAD 0.006%). This variant has not been reported in the literature in individuals affected with DFNB59-related conditions. For these reasons, this variant has been classified as Pathogenic.

Literature cited by the submitters: PubMed 17301963 (cited by Labcorp Genetics (formerly Invitae), Labcorp); PubMed 17718875 (cited by Labcorp Genetics (formerly Invitae), Labcorp).

NM_001042702.5(PJVK):c.420del (p.Phe140fs)

Gene: PJVK (pejvakin; plus strand). Cytogenetic location: 2q31.2.
Variant type: Deletion.
Coding change: c.420del on transcript NM_001042702.5 (MANE Select); coding-DNA position 420, one base deleted (T; older notation c.420delT).
Protein change: p.Phe140fs; shifts the reading frame from phenylalanine 140.
Molecular consequence: frameshift variant. On other transcripts: 5 prime UTR variant (2).
Genome position (GRCh38, 1-based): chr2:178,456,022, T deleted; the last of 3 consecutive T bases (chr2:178,456,020-178,456,022); deleting any one gives the same sequence. VCF-style (leftmost placement, unchanged base first): chr2-178456019-CT-C. GRCh37 (hg19) VCF-style: chr2-179320746-CT-C.
Other names: c.429del, p.Phe143fs (NM_001353775.2); c.525del, p.Phe175fs (NM_001353776.2); c.-58del (NM_001353777.1, NM_001353778.2); c.420del, p.Phe140fs (NM_001369912.1); short protein forms F143fs, F140fs, F175fs.
Identifiers: ClinVar variation 2966539 (VCV002966539.4), dbSNP rs761546140, ClinGen allele CA1984194.